The following is an entry in ClinVar:

NM_178857.6(RP1L1):c.1862C>G (p.Ser621Trp)

Gene: RP1L1 (RP1 like 1). Cytogenetic location: 8p23.1.
Variant type: single nucleotide variant.
Coding change: c.1862C>G on transcript NM_178857.6 (MANE Select); coding-DNA position 1862, C replaced by G.
Protein change: p.Ser621Trp; replaces serine 621 with tryptophan.
Molecular consequence: missense variant.
Genome position (GRCh38, 1-based): chr8:10,612,236, G>C on the plus strand (C>G on the coding strand, the complement: RP1L1 is on the minus strand). VCF-style: chr8-10612236-G-C. GRCh37 (hg19) VCF-style: chr8-10469746-G-C.
Other names: short protein forms S621W.
Identifiers: ClinVar variation 361364 (VCV000361364.7), dbSNP rs778222700, ClinGen allele CA4625033.

ClinVar aggregate classification (germline): Uncertain significance. Review status: criteria provided, multiple submitters, no conflicts (2 of 4 stars). 3 submissions from 3 submitters: Uncertain significance (3). Last evaluated 2026-03-28.

Conditions:
Occult macular dystrophy (OCMD). Also called: OCCULT MACULAR DYSTROPHY, SUSCEPTIBILITY TO; OMD. Identifiers: Orphanet 247834, MedGen C3150833, MONDO:0013316, OMIM 613587, HP:0030636.
RP1L1-related disorder. Also called: RP1L1-related condition.

Allele frequency attached by ClinVar (database versions not stated): TOPMed 0.00002.
gnomAD v4.1: 49 of 1,613,082 alleles (0.003%); highest among the groups gnomAD compares: Non-Finnish European, 0.0041%; no homozygotes.

Submissions (3):

PreventionGenetics, part of Exact Sciences
Classification: Uncertain significance for RP1L1-related condition. Last evaluated: 2026-03-28. Review status: criteria provided, single submitter. Criteria: ACMG Guidelines, 2015. Collection method: clinical testing. Allele origin: germline.
Comment: The RP1L1 c.1862C>G variant is predicted to result in the amino acid substitution p.Ser621Trp. To our knowledge, this variant has not been reported in the literature. This variant is reported in 0.0039% of alleles in individuals of European (Non-Finnish) descent in gnomAD. At this time, the clinical significance of this variant is uncertain due to the absence of conclusive functional and genetic evidence.

Blueprint Genetics
Classification: Uncertain significance. Last evaluated: 2022-08-19. Review status: criteria provided, single submitter. Criteria: ACMG Guidelines, 2015. Collection method: clinical testing. Allele origin: germline.

Illumina Laboratory Services, Illumina
Classification: Uncertain significance for Occult macular dystrophy. Last evaluated: 2018-01-13. Review status: criteria provided, single submitter. Criteria: ICSL Variant Classification Criteria 13 December 2019. Collection method: clinical testing. Allele origin: germline.